The following is an entry in ClinVar:

ClinVar aggregate classification (germline): Uncertain significance (1 of 4 stars; one submission).

Conditions:
Nemaline myopathy 6 (NEM6). Also called: Nemaline myopathy 6, autosomal dominant. Identifiers: Orphanet 171439, MedGen C1836472, MONDO:0012237, OMIM 609273.

Submission:

Labcorp Genetics (formerly Invitae), Labcorp
Classification: Uncertain significance for Nemaline myopathy 6. Last evaluated: 2024-03-28. Review status: criteria provided, single submitter. Criteria: Invitae Variant Classification Sherloc (09022015). Collection method: clinical testing. Allele origin: germline.
Comment: This sequence change replaces threonine, which is neutral and polar, with alanine, which is neutral and non-polar, at codon 162 of the KBTBD13 protein (p.Thr162Ala). This variant is not present in population databases (gnomAD no frequency). This variant has not been reported in the literature in individuals affected with KBTBD13-related conditions. Algorithms developed to predict the effect of missense changes on protein structure and function output the following: SIFT: "Not Available"; PolyPhen-2: "Benign"; Align-GVGD: "Not Available". The alanine amino acid residue is found in multiple mammalian species, which suggests that this missense change does not adversely affect protein function. In summary, the available evidence is currently insufficient to determine the role of this variant in disease. Therefore, it has been classified as a Variant of Uncertain Significance.

NM_001101362.3(KBTBD13):c.484A>G (p.Thr162Ala)

Gene: KBTBD13 (kelch repeat and BTB domain containing 13; plus strand). Cytogenetic location: 15q22.31.
Variant type: single nucleotide variant.
Coding change: c.484A>G on transcript NM_001101362.3 (MANE Select); coding-DNA position 484, A replaced by G.
Protein change: p.Thr162Ala; replaces threonine 162 with alanine.
Molecular consequence: missense variant.
Genome position (GRCh38, 1-based): chr15:65,077,299, A>G. VCF-style: chr15-65077299-A-G. GRCh37 (hg19) VCF-style: chr15-65369637-A-G.
Other names: short protein forms T162A.
Identifiers: ClinVar variation 3672136 (VCV003672136.2).